The following is an entry in ClinVar:

ClinVar aggregate classification (germline): Uncertain significance (1 of 4 stars; one submission).

Conditions:
Hereditary cancer-predisposing syndrome. Also called: Hereditary Cancer Syndrome; Hereditary neoplastic syndrome; Neoplastic Syndromes, Hereditary; Tumor predisposition. Identifiers: Orphanet 140162, MedGen C0027672, MeSH D009386, MONDO:0015356.

Submission:

Ambry Genetics
Classification: Uncertain significance for Hereditary cancer-predisposing syndrome. Last evaluated: 2021-10-31. Review status: criteria provided, single submitter. Criteria: Ambry Variant Classification Scheme 2023. Collection method: clinical testing. Allele origin: germline.
Comment: The p.R43G variant (also known as c.127C>G), located in coding exon 2 of the NBN gene, results from a C to G substitution at nucleotide position 127. The arginine at codon 43 is replaced by glycine, an amino acid with dissimilar properties. This amino acid position is conserved. In addition, the in silico prediction for this alteration is inconclusive. Since supporting evidence is limited at this time, the clinical significance of this alteration remains unclear.

NM_002485.5(NBN):c.127C>G (p.Arg43Gly)

Gene: NBN (nibrin; minus strand). Cytogenetic location: 8q21.3.
Variant type: single nucleotide variant.
Coding change: c.127C>G on transcript NM_002485.5 (MANE Select); coding-DNA position 127, C replaced by G.
Protein change: p.Arg43Gly; replaces arginine 43 with glycine.
Molecular consequence: missense variant. On other transcripts: 5 prime UTR variant (1).
Genome position (GRCh38, 1-based): chr8:89,982,766, G>C on the plus strand (C>G on the coding strand, the complement: NBN is on the minus strand). VCF-style: chr8-89982766-G-C. GRCh37 (hg19) VCF-style: chr8-90994994-G-C.
Other names: c.-170C>G (NM_001024688.3); short protein forms R43G.
Identifiers: ClinVar variation 1767505 (VCV001767505.2), dbSNP rs200287925, ClinGen allele CA371663057.